The following is an entry in ClinVar:

ClinVar aggregate classification (germline): Uncertain significance (1 of 4 stars; one submission).

Conditions:
Developmental and epileptic encephalopathy, 21 (DEE21). Also called: Early infantile epileptic encephalopathy 21. Identifiers: Orphanet 442835, MedGen C4014430, MONDO:0014360, OMIM 615833.

Submission:

Labcorp Genetics (formerly Invitae), Labcorp
Classification: Uncertain significance for Developmental and epileptic encephalopathy, 21. Last evaluated: 2022-06-09. Review status: criteria provided, single submitter. Criteria: Invitae Variant Classification Sherloc (09022015). Collection method: clinical testing. Allele origin: germline.
Comment: This variant has not been reported in the literature in individuals affected with NECAP1-related conditions. This variant is not present in population databases (gnomAD no frequency). This sequence change replaces glutamic acid, which is acidic and polar, with glycine, which is neutral and non-polar, at codon 133 of the NECAP1 protein (p.Glu133Gly). Algorithms developed to predict the effect of missense changes on protein structure and function are either unavailable or do not agree on the potential impact of this missense change (SIFT: "Not Available"; PolyPhen-2: "Possibly Damaging"; Align-GVGD: "Not Available"). In summary, the available evidence is currently insufficient to determine the role of this variant in disease. Therefore, it has been classified as a Variant of Uncertain Significance.

NM_015509.4(NECAP1):c.398A>G (p.Glu133Gly)

Gene: NECAP1 (NECAP endocytosis associated 1; plus strand). Cytogenetic location: 12p13.31.
Variant type: single nucleotide variant.
Coding change: c.398A>G on transcript NM_015509.4 (MANE Select); coding-DNA position 398, A replaced by G.
Protein change: p.Glu133Gly; replaces glutamic acid 133 with glycine.
Molecular consequence: missense variant. On other transcripts: non-coding transcript variant (1).
Genome position (GRCh38, 1-based): chr12:8,092,690, A>G. VCF-style: chr12-8092690-A-G. GRCh37 (hg19) VCF-style: chr12-8245286-A-G.
Other names: short protein forms E133G.
Identifiers: ClinVar variation 2003784 (VCV002003784.4), dbSNP rs2498178786, ClinGen allele CA383799233.